The following is an entry in ClinVar:

NM_138376.3(TTC5):c.631dup (p.Ala211fs)

Gene: TTC5 (tetratricopeptide repeat domain 5; minus strand). Cytogenetic location: 14q11.2.
Variant type: Duplication.
Coding change: c.631dup on transcript NM_138376.3 (MANE Select); coding-DNA position 631, one base duplicated (G; older notation c.631dupG).
Protein change: p.Ala211fs; shifts the reading frame from alanine 211.
Molecular consequence: frameshift variant.
Genome position (GRCh38, 1-based): chr14:20,298,805, C duplicated on the plus strand (G on the coding strand, the reverse complement: TTC5 is on the minus strand). VCF-style (leftmost placement, unchanged base first): chr14-20298804-G-GC. GRCh37 (hg19) VCF-style: chr14-20766963-G-GC.
Other names: c.631dupG (NM_138376.2); short protein forms A211fs.
Identifiers: ClinVar variation 3576483 (VCV003576483.2).

ClinVar aggregate classification (germline): Likely pathogenic. Review status: criteria provided, multiple submitters, no conflicts (2 of 4 stars). 2 submissions from 2 submitters: Likely pathogenic (2). Last evaluated 2025-08-28.

Conditions:
TTC5-related disorder. Also called: TTC5-related condition.
Neurodevelopmental disorder with cerebral atrophy and variable facial dysmorphism. Identifiers: MedGen C5543228, MONDO:0030999, OMIM 619244.

Submissions (2):

PreventionGenetics, part of Exact Sciences
Classification: Likely pathogenic for TTC5-related condition. Last evaluated: 2025-08-28. Review status: criteria provided, single submitter. Criteria: ACMG Guidelines, 2015. Collection method: clinical testing. Allele origin: germline.
Comment: The TTC5 c.631dupG variant is predicted to result in a frameshift and premature protein termination (p.Ala211Glyfs*7). To our knowledge, this variant has not been reported in the literature or a large population database (gnomAD), indicating this variant is rare. Frameshift variants in TTC5 are expected to be pathogenic. This variant is interpreted as likely pathogenic.

Fulgent Genetics
Classification: Likely pathogenic for Neurodevelopmental disorder with cerebral atrophy and variable facial dysmorphism. Last evaluated: 2024-03-22. Review status: criteria provided, single submitter. Criteria: ACMG Guidelines, 2015. Collection method: clinical testing. Allele origin: germline.